The following is an entry in ClinVar:

ClinVar aggregate classification (germline): Benign/Likely benign. Review status: criteria provided, multiple submitters, no conflicts (2 of 4 stars). 6 submissions from 6 submitters: Benign (1); Likely benign (5). Last evaluated 2025-05-19.

Conditions:
Familial adenomatous polyposis 1 (FAP1). Also called: FAMILIAL ADENOMATOUS POLYPOSIS 1, ATTENUATED; POLYPOSIS, ADENOMATOUS INTESTINAL. Identifiers: MedGen C2713442, MONDO:0021056, OMIM 175100. Disease mechanism: loss of function.
Classic or attenuated familial adenomatous polyposis. Identifiers: MedGen CN372698, MONDO:0021057.
Hereditary cancer-predisposing syndrome. Also called: Neoplastic Syndromes, Hereditary; Tumor predisposition; Hereditary Cancer Syndrome; Hereditary neoplastic syndrome. Identifiers: Orphanet 140162, MedGen C0027672, MeSH D009386, MONDO:0015356.

Allele frequency attached by ClinVar (database versions not stated): gnomAD exomes 0.00001.
gnomAD v4.1: 8 of 1,614,216 alleles (0.0005%); highest among the groups gnomAD compares: South Asian, 0.0055%; no homozygotes.

Submissions (6):

Labcorp Genetics (formerly Invitae), Labcorp
Classification: Likely benign for Familial adenomatous polyposis 1. Last evaluated: 2025-05-19. Review status: criteria provided, single submitter. Criteria: Invitae Variant Classification Sherloc (09022015). Collection method: clinical testing. Allele origin: germline.

Myriad Genetics, Inc.
Classification: Benign for Familial adenomatous polyposis 1. Last evaluated: 2024-03-08. Review status: criteria provided, single submitter. Criteria: Myriad Autosomal Dominant, Autosomal Recessive and X-Linked Classification Criteria (2023). Collection method: clinical testing. Allele origin: unknown.
Comment: This variant is considered benign. This variant is a silent/synonymous amino acid change and it is not expected to impact splicing.

All of Us Research Program, National Institutes of Health
Classification: Likely benign for Classic or attenuated familial adenomatous polyposis. Last evaluated: 2023-03-04. Review status: criteria provided, single submitter. Criteria: ACMG Guidelines, 2015. Collection method: clinical testing. Allele origin: germline. Inheritance: Autosomal dominant inheritance. Observed: 1 variant allele, 1 heterozygote.
Comment: This study involves interpretation of variants in research participants for the purpose of population health screening. Participant phenotype was not available at the time of variant classification. Additional details can be found in publication PMID: 35346344, PMCID: PMC8962531

Color Diagnostics, LLC DBA Color Health
Classification: Likely benign for Hereditary cancer-predisposing syndrome. Last evaluated: 2017-12-07. Review status: criteria provided, single submitter. Criteria: ACMG Guidelines, 2015. Collection method: clinical testing. Allele origin: germline.

GeneDx
Classification: Likely benign. Last evaluated: 2015-12-24. Review status: criteria provided, single submitter. Criteria: GeneDx Variant Classification (06012015). Collection method: clinical testing. Allele origin: germline. Affected: yes.
Comment: This variant is considered likely benign or benign based on one or more of the following criteria: it is a conservative change, it occurs at a poorly conserved position in the protein, it is predicted to be benign by multiple in silico algorithms, and/or has population frequency not consistent with disease.

Ambry Genetics
Classification: Likely benign for Hereditary cancer-predisposing syndrome. Last evaluated: 2015-04-16. Review status: criteria provided, single submitter. Criteria: Ambry Variant Classification Scheme 2023. Collection method: clinical testing. Allele origin: germline.

NM_000038.6(APC):c.2091A>G (p.Ala697=)

Gene: APC (APC regulator of Wnt signaling pathway; plus strand). Cytogenetic location: 5q22.2.
Variant type: single nucleotide variant.
Coding change: c.2091A>G on transcript NM_000038.6 (MANE Select); coding-DNA position 2091, A replaced by G.
Protein change: p.Ala697=; no amino-acid change (alanine 697 retained).
Molecular consequence: synonymous variant.
Genome position (GRCh38, 1-based): chr5:112,837,685, A>G. VCF-style: chr5-112837685-A-G. GRCh37 (hg19) VCF-style: chr5-112173382-A-G.
Other names: c.2091A>G, p.Ala697= (NM_001127510.3, NM_001354895.2); c.2037A>G, p.Ala679= (NM_001127511.3); c.2145A>G, p.Ala715= (NM_001354896.2); c.2121A>G, p.Ala707= (NM_001354897.2); c.2016A>G, p.Ala672= (NM_001354898.2); c.2007A>G, p.Ala669= (NM_001354899.2); c.1968A>G, p.Ala656= (NM_001354900.2); c.1914A>G, p.Ala638= (NM_001354901.2); and 5 more.
Identifiers: ClinVar variation 231286 (VCV000231286.16), dbSNP rs541317651, ClinGen allele CA030729.
Genomic context (GRCh38, chr5:112,837,685, plus strand): 5'-CAGTAATGCATGTGGAACTTTGTGGAATCTCTCAGCAAGAAATCCTAAAGACCAGGAAGC[A>G]TTATGGGACATGGGGGCAGTTAGCATGCTCAAGAACCTCATTCATTCAAAGCACAAAATG-3'
Protein context (NP_000029.2, residues 687-707): LSARNPKDQE[Ala697=]LWDMGAVSML